The following is an entry in ClinVar:

NM_000070.3(CAPN3):c.2182C>T (p.Gln728Ter)

Gene: CAPN3 (calpain 3; plus strand). Cytogenetic location: 15q15.1.
Variant type: single nucleotide variant.
Coding change: c.2182C>T on transcript NM_000070.3 (MANE Select); coding-DNA position 2182, C replaced by T.
Protein change: p.Gln728Ter; replaces glutamine 728 with a stop codon.
Molecular consequence: nonsense.
Genome position (GRCh38, 1-based): chr15:42,410,494, C>T. VCF-style: chr15-42410494-C-T. GRCh37 (hg19) VCF-style: chr15-42702692-C-T.
Other names: NM_000070.3(CAPN3):c.2182C>T; p.Gln728Ter; c.2164C>T, p.Gln722Ter (NM_024344.2); c.1906C>T, p.Gln636Ter (NM_173087.2); c.646C>T, p.Gln216Ter (NM_173088.2); c.187C>T, p.Gln63Ter (NM_173089.2, NM_173090.2); short protein forms Q216*, Q636*, Q728*, Q63*, Q722*.
Identifiers: ClinVar variation 871348 (VCV000871348.42), dbSNP rs2054180829, ClinGen allele CA392001751.

ClinVar aggregate classification (germline): Pathogenic. Review status: reviewed by expert panel (3 of 4 stars). 2 submissions from 2 submitters: Pathogenic (1). 1 of the submissions does not count toward it. Last evaluated 2026-02-10.

Conditions:
Autosomal recessive limb-girdle muscular dystrophy. Identifiers: Orphanet 102015, MedGen C2931907, MONDO:0015152.

Allele frequency attached by ClinVar (database versions not stated): gnomAD 0.00001.
gnomAD v4.1: 1 of 1,613,808 alleles (0.000062%); highest among the groups gnomAD compares: African/African-American, 0.0013%; no homozygotes.

Submissions (2):

ClinGen Limb Girdle Muscular Dystrophy Variant Curation Expert Panel, ClinGen
Classification: Pathogenic for Autosomal recessive limb-girdle muscular dystrophy. Last evaluated: 2026-02-10. Review status: reviewed by expert panel. Criteria: ClinGen LGMD VCEP ACMG Specifications CAPN3 V2.0.0. Collection method: curation. Allele origin: germline. Inheritance: Autosomal recessive inheritance.
Comment: The NM_000070.3: c.2182C>T p.(Gln728Ter) variant in CAPN3 is a nonsense variant expected to cause a premature stop codon in biologically relevant exon 20/24, leading to nonsense mediated decay in a gene in which loss of function is an established disease mechanism. However, this variant affects the last amino acid of the exon and is also predicted to affect splicing, including loss of the canonical donor site (SpliceAI delta score 0.82, alt score 0.06) and strengthening of an alternative donor site 4 nucleotides into exon 24 (SpliceAI delta score 0.96, alt score 0.97). Use of the alternative donor would also be expected to result in a frameshift and nonsense mediated decay (PVS1). This variant has been identified in at least three unrelated individuals with clinical features consistent with limb-girdle muscular dystrophy (PMID: 30919934, 17562833), including in a homozygous state with known consanguinity (0.25 pts, PMID: 30919934, 17562833) and in unconfirmed phase with a variant independently classified as likely pathogenic (c.1466G>A (p.Arg489Gln), 0.25 pts, PMID: 30919934) (PM3_Supporting). At least one individual with this variant and a second presumed diagnostic CAPN3 variant displayed progressive limb girdle muscle weakness or had a clinical suspicion of LGMD (PMID: 30919934; PP4). This variant has also been reported to co-segregate with the autosomal recessive LGMD phenotype in one affected family member (PMID: 17562833, 30919934; PP1). The highest population allele frequency of this variant is 0.000013354 in the African/African-American population of gnomAD v4.1.0 (1/74884 chromosomes), which is less than the ClinGen LGMD VCEP threshold (≤0.0001) (PM2_Supporting). In summary, this variant meets the criteria to be classified as Pathogenic for autosomal recessive limb girdle muscular dystrophy based on the ACMG criteria applied, as specified by the LGMD VCEP (specifications version 2.0.0; 02/10/2026): PVS1, PM3_Supporting, PP4, PP1, PM2_Supporting.

CeGaT Center for Human Genetics Tuebingen
Classification: Pathogenic. Last evaluated: 2019-12-01. Review status: criteria provided, single submitter. Criteria: CeGaT Center For Human Genetics Tuebingen Variant Classification Criteria Version 2. Collection method: clinical testing. Allele origin: germline. Affected: yes. Observed: 1 variant allele. Not counted in ClinVar's aggregate classification.